The following is an entry in ClinVar:

ClinVar aggregate classification (germline): Likely pathogenic (1 of 4 stars; one submission).

Conditions:
Hereditary breast ovarian cancer syndrome. Also called: BRCA1- and BRCA2-Associated Hereditary Breast and Ovarian Cancer; Hereditary breast and ovarian cancer syndrome (HBOC); Breast and ovarian cancer; Hereditary breast and ovarian cancer syndrome; Hereditary breast and/or ovarian cancer syndrome; Hereditary breast and ovarian cancer. Identifiers: Orphanet 145, MedGen C0677776, MeSH D061325, MONDO:0003582. Disease mechanism: loss of function.

Submission:

Women's Health and Genetics/Laboratory Corporation of America, LabCorp
Classification: Likely pathogenic for Hereditary breast ovarian cancer syndrome. Last evaluated: 2023-04-17. Review status: criteria provided, single submitter. Criteria: LabCorp Variant Classification Summary - May 2015. Collection method: clinical testing. Allele origin: germline.
Comment: Variant summary: The variant identified by MLPA or other technology involves the deletion of exons 4-14 in the BRCA1 gene. A presumed nomenclature of c.(134+1_135-1)_(4675+1_4676-1)del has been designated for the purposes of this classification. Although exact breakpoints of this deletion are not known, it is expected to result in a frameshift in the BRCA1 gene, a known mechanism of disease. The variant was absent in 20948 control chromosomes (gnomAD, Structural Variants dataset). c.(134+1_135-1)_(4675+1_4676-1)del has been reported in the literature in at least one individual affected with Hereditary Breast And Ovarian Cancer Syndrome (Herzog_2021). One clinical diagnostic laboratory has submitted clinical-significance assessments for this variant to ClinVar after 2014, classifying the variant as pathogenic. Based on the evidence outlined above, the variant was classified as likely pathogenic.

Literature cited by the submitters: PubMed 34413315.

NC_000017.10:g.(41223256_41226347)_(41258551_41267742)del

Gene: BRCA1 (BRCA1 DNA repair associated; minus strand). Cytogenetic location: 17q21.31.
Variant type: Deletion.
Identifiers: ClinVar variation 2504040 (VCV002504040.1).